The following is an entry in ClinVar:

ClinVar aggregate classification (germline): Uncertain significance (1 of 4 stars; one submission).

gnomAD v4.1: 2 of 1,149,291 alleles (0.00017%); highest among the groups gnomAD compares: African/African-American, 0.0036%; no homozygotes.

Submission:

GeneDx
Classification: Uncertain significance. Last evaluated: 2024-09-25. Review status: criteria provided, single submitter. Criteria: GeneDx Variant Classification Process June 2021. Collection method: clinical testing. Allele origin: germline. Affected: yes.
Comment: Not observed at significant frequency in large population cohorts (gnomAD); In silico analysis supports that this missense variant has a deleterious effect on protein structure/function; Has not been previously published as pathogenic or benign to our knowledge

NM_001042750.2(STAG2):c.2783A>T (p.Asn928Ile)

Gene: STAG2 (STAG2 cohesin complex component; plus strand). Cytogenetic location: Xq25.
Variant type: single nucleotide variant.
Coding change: c.2783A>T on transcript NM_001042750.2 (MANE Select); coding-DNA position 2783, A replaced by T.
Protein change: p.Asn928Ile; replaces asparagine 928 with isoleucine.
Molecular consequence: missense variant.
Genome position (GRCh38, 1-based): chrX:124,081,387, A>T. VCF-style: chrX-124081387-A-T. GRCh37 (hg19) VCF-style: chrX-123215237-A-T.
Other names: c.2783A>T, p.Asn928Ile (NM_001042749.2, NM_001042751.2, NM_001282418.2 and 13 more transcripts); short protein forms N928I.
Identifiers: ClinVar variation 3774670 (VCV003774670.1).